The following is an entry in ClinVar:

NM_145178.4(ATOH7):c.139G>A (p.Ala47Thr)

Gene: ATOH7 (atonal bHLH transcription factor 7; minus strand). Cytogenetic location: 10q21.3.
Variant type: single nucleotide variant.
Coding change: c.139G>A on transcript NM_145178.4 (MANE Select); coding-DNA position 139, G replaced by A.
Protein change: p.Ala47Thr; replaces alanine 47 with threonine.
Molecular consequence: missense variant.
Genome position (GRCh38, 1-based): chr10:68,231,539, C>T on the plus strand (G>A on the coding strand, the complement: ATOH7 is on the minus strand). VCF-style: chr10-68231539-C-T. GRCh37 (hg19) VCF-style: chr10-69991296-C-T.
Other names: short protein forms A47T.
Identifiers: ClinVar variation 2136867 (VCV002136867.4), dbSNP rs2492043440, ClinGen allele CA376837234.

ClinVar aggregate classification (germline): Uncertain significance (1 of 4 stars; one submission).

Submission:

Labcorp Genetics (formerly Invitae), Labcorp
Classification: Uncertain significance. Last evaluated: 2023-03-12. Review status: criteria provided, single submitter. Criteria: Invitae Variant Classification Sherloc (09022015). Collection method: clinical testing. Allele origin: germline.
Comment: An algorithm developed to predict the effect of missense changes on protein structure and function (PolyPhen-2) suggests that this variant is likely to be disruptive. ClinVar contains an entry for this variant (Variation ID: 2136867). This missense change has been observed in individual(s) with optic nerve hypoplasia (PMID: 20395239). This variant is not present in population databases (gnomAD no frequency). This sequence change replaces alanine, which is neutral and non-polar, with threonine, which is neutral and polar, at codon 47 of the ATOH7 protein (p.Ala47Thr). Experimental studies are conflicting or provide insufficient evidence to determine the effect of this variant on ATOH7 function (PMID: 22645276, 35162975). In summary, the available evidence is currently insufficient to determine the role of this variant in disease. Therefore, it has been classified as a Variant of Uncertain Significance.

Literature cited by the submitters: PubMed 20395239; PubMed 22645276; PubMed 35162975.